The following is an entry in ClinVar:

ClinVar aggregate classification (germline): Conflicting classifications of pathogenicity. Review status: criteria provided, conflicting classifications (1 of 4 stars). 3 submissions from 3 submitters: Uncertain significance (2); Likely benign (1). Last evaluated 2025-10-15.

Conditions:
Inborn genetic diseases. Identifiers: MedGen C0950123, MeSH D030342.

gnomAD v4.1: 22 of 1,598,902 alleles (0.0014%); highest among the groups gnomAD compares: East Asian, 0.009%; no homozygotes.

Submissions (3):

Ambry Genetics
Classification: Uncertain significance for Inborn genetic diseases. Last evaluated: 2025-10-15. Review status: criteria provided, single submitter. Criteria: Ambry Variant Classification Scheme 2023. Collection method: clinical testing. Allele origin: germline.
Comment: The c.3205G>A (p.V1069M) alteration is located in exon 19 (coding exon 19) of the MEGF8 gene. This alteration results from a G to A substitution at nucleotide position 3205, causing the valine (V) at amino acid position 1069 to be replaced by a methionine (M). Based on data from gnomAD, the A allele has an overall frequency of 0.001% (3/222744) total alleles studied. The highest observed frequency was 0.007% (2/26954) of South Asian alleles. Based on insufficient or conflicting evidence, the clinical significance of this alteration remains unclear.

GeneDx
Classification: Uncertain significance. Last evaluated: 2025-05-15. Review status: criteria provided, single submitter. Criteria: GeneDx Variant Classification Process June 2021. Collection method: clinical testing. Allele origin: germline. Affected: yes.
Comment: In silico analysis suggests that this missense variant does not alter protein structure/function; Has not been previously published as pathogenic or benign to our knowledge

Blueprint Genetics
Classification: Likely benign. Last evaluated: 2023-05-23. Review status: criteria provided, single submitter. Criteria: ACMG Guidelines, 2015. Collection method: clinical testing. Allele origin: germline.

NM_001271938.2(MEGF8):c.3406G>A (p.Val1136Met)

Gene: MEGF8 (multiple EGF like domains 8; plus strand). Cytogenetic location: 19q13.2.
Variant type: single nucleotide variant.
Coding change: c.3406G>A on transcript NM_001271938.2 (MANE Select); coding-DNA position 3406, G replaced by A.
Protein change: p.Val1136Met; replaces valine 1136 with methionine.
Molecular consequence: missense variant.
Genome position (GRCh38, 1-based): chr19:42,352,983, G>A. VCF-style: chr19-42352983-G-A. GRCh37 (hg19) VCF-style: chr19-42857135-G-A.
Other names: c.3205G>A, p.Val1069Met (NM_001410.3); short protein forms V1069M, V1136M.
Identifiers: ClinVar variation 4529624 (VCV004529624.3).
Genomic context (GRCh38, chr19:42,352,983, plus strand): 5'-CTCAGGTGCTTGGAGGACTGTGGCCATGGTGTGTGCAGTGGCCCCCCGGACTTTACCTGC[G>A]TGTGTGACCTAGGCTGGACATCAGACCTGCCCCCTCCCACACCCGCCCCGGGTCCGCCAG-3'
Protein context (NP_001258867.1, residues 1126-1146): VCSGPPDFTC[Val1136Met]CDLGWTSDLP